The following is an entry in ClinVar:

NM_207361.6(FREM2):c.264_265delinsAA (p.Trp88_Leu89delinsTer)

Gene: FREM2 (FRAS1 related extracellular matrix 2; plus strand). Cytogenetic location: 13q13.3.
Variant type: Indel.
Coding change: c.264_265delinsAA on transcript NM_207361.6 (MANE Select); coding-DNA positions 264 to 265, GC replaced by AA.
Protein change: p.Trp88_Leu89delinsTer.
Molecular consequence: nonsense.
Genome position (GRCh38, 1-based): chr13:38,687,608-38,687,609, GC replaced by AA. VCF-style: chr13-38687608-GC-AA. GRCh37 (hg19) VCF-style: chr13-39261745-GC-AA.
Identifiers: ClinVar variation 2785026 (VCV002785026.3), dbSNP rs2541348049, ClinGen allele CA2739277545.

ClinVar aggregate classification (germline): Pathogenic (1 of 4 stars; one submission).

Submission:

Labcorp Genetics (formerly Invitae), Labcorp
Classification: Pathogenic. Last evaluated: 2023-08-18. Review status: criteria provided, single submitter. Criteria: Invitae Variant Classification Sherloc (09022015). Collection method: clinical testing. Allele origin: germline.
Comment: For these reasons, this variant has been classified as Pathogenic. This variant has not been reported in the literature in individuals affected with FREM2-related conditions. Information on the frequency of this variant in the gnomAD database is not available, as this variant may be reported differently in the database. This sequence change creates a premature translational stop signal (p.Trp88*) in the FREM2 gene. It is expected to result in an absent or disrupted protein product. Loss-of-function variants in FREM2 are known to be pathogenic (PMID: 18203166, 26552811).

Literature cited by the submitters: PubMed 18203166; PubMed 26552811.